The following is an entry in ClinVar:

NM_006206.6(PDGFRA):c.277G>A (p.Ala93Thr)

Gene: PDGFRA (platelet derived growth factor receptor alpha; plus strand). Cytogenetic location: 4q12.
Variant type: single nucleotide variant.
Coding change: c.277G>A on transcript NM_006206.6 (MANE Select); coding-DNA position 277, G replaced by A.
Protein change: p.Ala93Thr; replaces alanine 93 with threonine.
Molecular consequence: missense variant.
Genome position (GRCh38, 1-based): chr4:54,261,322, G>A. VCF-style: chr4-54261322-G-A. GRCh37 (hg19) VCF-style: chr4-55127489-G-A.
Other names: c.277G>A, p.Ala93Thr (NM_001347829.2, NM_001347827.2); c.316G>A, p.Ala106Thr (NM_001347830.2); c.352G>A, p.Ala118Thr (NM_001347828.2); short protein forms A106T, A118T, A93T.
Identifiers: ClinVar variation 3674844 (VCV003674844.2).
Genomic context (GRCh38, chr4:54,261,322, plus strand): 5'-AATGAAGAAAACAACAGCGGCCTTTTTGTGACGGTCTTGGAAGTGAGCAGTGCCTCGGCG[G>A]CCCACACAGGGTTGTACACTTGCTATTACAACCACACTCAGACAGAAGAGAATGAGCTTG-3'
Protein context (NP_006197.1, residues 83-103): TVLEVSSASA[Ala93Thr]HTGLYTCYYN

ClinVar aggregate classification (germline): Uncertain significance (1 of 4 stars; one submission).

Conditions:
Gastrointestinal stromal tumor. Also called: Gastrointestinal stromal tumor, somatic; Gastrointestinal stroma tumor. Identifiers: Orphanet 44890, MedGen C0238198, MeSH D046152, MONDO:0011719, OMIM 606764, HP:0100723.

Submission:

Labcorp Genetics (formerly Invitae), Labcorp
Classification: Uncertain significance for Gastrointestinal stromal tumor. Last evaluated: 2024-08-15. Review status: criteria provided, single submitter. Criteria: Invitae Variant Classification Sherloc (09022015). Collection method: clinical testing. Allele origin: germline.
Comment: This sequence change replaces alanine, which is neutral and non-polar, with threonine, which is neutral and polar, at codon 93 of the PDGFRA protein (p.Ala93Thr). This variant is not present in population databases (gnomAD no frequency). This variant has not been reported in the literature in individuals affected with PDGFRA-related conditions. Invitae Evidence Modeling of protein sequence and biophysical properties (such as structural, functional, and spatial information, amino acid conservation, physicochemical variation, residue mobility, and thermodynamic stability) indicates that this missense variant is not expected to disrupt PDGFRA protein function with a negative predictive value of 80%. In summary, the available evidence is currently insufficient to determine the role of this variant in disease. Therefore, it has been classified as a Variant of Uncertain Significance.